The following is an entry in ClinVar:

ClinVar aggregate classification (germline): Pathogenic (1 of 4 stars; one submission).

Conditions:
Walker-Warburg congenital muscular dystrophy. Also called: Muscular dystrophy-dystroglycanopathy, type A; Walker-Warburg syndrome. Identifiers: Orphanet 899, MedGen C0265221, MONDO:0000171.

Submission:

Labcorp Genetics (formerly Invitae), Labcorp
Classification: Pathogenic for Walker-Warburg congenital muscular dystrophy. Last evaluated: 2023-06-20. Review status: criteria provided, single submitter. Criteria: Invitae Variant Classification Sherloc (09022015). Collection method: clinical testing. Allele origin: germline.
Comment: For these reasons, this variant has been classified as Pathogenic. This variant has not been reported in the literature in individuals affected with FKTN-related conditions. This variant is not present in population databases (gnomAD no frequency). This sequence change creates a premature translational stop signal (p.Glu249*) in the FKTN gene. It is expected to result in an absent or disrupted protein product. Loss-of-function variants in FKTN are known to be pathogenic (PMID: 17044012, 17878207, 18752264).

Literature cited by the submitters: PubMed 17044012; PubMed 17878207; PubMed 18752264.

NM_001079802.2(FKTN):c.745G>T (p.Glu249Ter)

Gene: FKTN (fukutin; plus strand). Cytogenetic location: 9q31.2.
Variant type: single nucleotide variant.
Coding change: c.745G>T on transcript NM_001079802.2 (MANE Select); coding-DNA position 745, G replaced by T.
Protein change: p.Glu249Ter; replaces glutamic acid 249 with a stop codon.
Molecular consequence: nonsense. On other transcripts: non-coding transcript variant (2).
Genome position (GRCh38, 1-based): chr9:105,607,916, G>T. VCF-style: chr9-105607916-G-T. GRCh37 (hg19) VCF-style: chr9-108370197-G-T.
Other names: c.745G>T, p.Glu249Ter (NM_001198963.2, NM_001351496.2, NM_001351498.2 and 1 more transcripts); c.676G>T, p.Glu226Ter (NM_001351497.2); c.349G>T, p.Glu117Ter (NM_001351499.2, NM_001351500.2, NM_001351501.2 and 1 more transcripts); short protein forms E249*, E117*, E226*.
Identifiers: ClinVar variation 2720195 (VCV002720195.3), dbSNP rs2539494607, ClinGen allele CA374332667.